The following is an entry in ClinVar:

NM_003073.5(SMARCB1):c.932T>A (p.Ile311Asn)

Gene: SMARCB1 (SWI/SNF related BAF chromatin remodeling complex subunit B1; plus strand). Cytogenetic location: 22q11.23.
Variant type: single nucleotide variant.
Coding change: c.932T>A on transcript NM_003073.5 (MANE Select); coding-DNA position 932, T replaced by A.
Protein change: p.Ile311Asn; replaces isoleucine 311 with asparagine.
Molecular consequence: missense variant.
Genome position (GRCh38, 1-based): chr22:23,825,361, T>A. VCF-style: chr22-23825361-T-A. GRCh37 (hg19) VCF-style: chr22-24167548-T-A.
Other names: c.905T>A, p.Ile302Asn (NM_001007468.3); c.959T>A, p.Ile320Asn (NM_001317946.2); c.986T>A, p.Ile329Asn (NM_001362877.2); short protein forms I302N, I311N, I320N, I329N.
Identifiers: ClinVar variation 4864841 (VCV004864841.1).
Genomic context (GRCh38, chr22:23,825,361, plus strand): 5'-AGAAGTTTGCCCTGAAGCTGTGCTCGGAGCTGGGGTTGGGCGGGGAGTTTGTCACCACCA[T>A]CGCATACAGCATCCGGGGACAGCTGAGCTGGCATCAGAAGACCTACGCCTTCAGGTAGGA-3'
Protein context (NP_003064.2, residues 301-321): LGLGGEFVTT[Ile311Asn]AYSIRGQLSW

ClinVar aggregate classification (germline): Uncertain significance (1 of 4 stars; one submission).

Conditions:
Hereditary cancer-predisposing syndrome. Also called: Neoplastic Syndromes, Hereditary; Tumor predisposition; Hereditary Cancer Syndrome; Hereditary neoplastic syndrome. Identifiers: Orphanet 140162, MedGen C0027672, MeSH D009386, MONDO:0015356.

Submission:

Ambry Genetics
Classification: Uncertain significance for Hereditary cancer-predisposing syndrome. Last evaluated: 2026-06-10. Review status: criteria provided, single submitter. Criteria: Ambry Variant Classification Scheme 2023. Collection method: clinical testing. Allele origin: germline.
Comment: The p.I311N variant (also known as c.932T>A), located in coding exon 7 of the SMARCB1 gene, results from a T to A substitution at nucleotide position 932. The isoleucine at codon 311 is replaced by asparagine, an amino acid with dissimilar properties. This amino acid position is conserved. In addition, this alteration is predicted to be deleterious by in silico analysis. Based on the available evidence, the clinical significance of this variant remains unclear.